The following is an entry in ClinVar:

ClinVar aggregate classification (germline): Benign (1 of 4 stars; one submission).

Allele frequency attached by ClinVar (database versions not stated): 1000 Genomes Project 30x 0.08666; 1000 Genomes Project 0.08746; TOPMed 0.10215; gnomAD 0.10265 and 0.10583.
gnomAD v4.1: 15,548 of 152,204 alleles (10%); highest among the groups gnomAD compares: African/African-American, 14%; 885 homozygotes.

Submission:

GeneDx
Classification: Benign. Last evaluated: 2018-06-20. Review status: criteria provided, single submitter. Criteria: GeneDx Variant Classification (06012015). Collection method: clinical testing. Allele origin: germline. Affected: yes.
Comment: This variant is considered likely benign or benign based on one or more of the following criteria: it is a conservative change, it occurs at a poorly conserved position in the protein, it is predicted to be benign by multiple in silico algorithms, and/or has population frequency not consistent with disease.

NM_000264.5(PTCH1):c.584+177G>A

Gene: PTCH1 (patched 1; minus strand). Cytogenetic location: 9q22.32.
Variant type: single nucleotide variant.
Coding change: c.584+177G>A on transcript NM_000264.5 (MANE Select); 177 bases into the intron after coding-DNA position 584, G replaced by A.
Molecular consequence: intron variant.
Genome position (GRCh38, 1-based): chr9:95,485,508, C>T on the plus strand (G>A on the coding strand, the complement: PTCH1 is on the minus strand). VCF-style: chr9-95485508-C-T. GRCh37 (hg19) VCF-style: chr9-98247790-C-T.
Other names: c.581+177G>A (NM_001083603.3); c.386+177G>A (NM_001083602.3, NM_001354919.2); c.584+177G>A (NM_001354918.2); c.131+177G>A (NM_001083605.3, NM_001083604.3, NM_001083606.3 and 1 more transcripts).
Identifiers: ClinVar variation 677048 (VCV000677048.1), dbSNP rs28673156, ClinGen allele CA16368263.